The following is an entry in ClinVar:

NM_030773.4(TUBB1):c.638G>A (p.Arg213His)

Gene: TUBB1 (tubulin beta 1 class VI; plus strand). Cytogenetic location: 20q13.32.
Variant type: single nucleotide variant.
Coding change: c.638G>A on transcript NM_030773.4 (MANE Select); coding-DNA position 638, G replaced by A.
Protein change: p.Arg213His; replaces arginine 213 with histidine.
Molecular consequence: missense variant.
Genome position (GRCh38, 1-based): chr20:59,024,065, G>A. VCF-style: chr20-59024065-G-A. GRCh37 (hg19) VCF-style: chr20-57599120-G-A.
Other names: p.Arg213His; short protein forms R213H.
Identifiers: ClinVar variation 1336322 (VCV001336322.12), dbSNP rs62639975, ClinGen allele CA9928554.
Genomic context (GRCh38, chr20:59,024,065, plus strand): 5'-TTGAGAATGCAGATGCCTGTTTCTGCATTGACAATGAGGCCCTCTATGACATCTGCTTCC[G>A]TACCCTGAAGCTGACGACACCCACCTATGGGGATCTCAACCACCTAGTGTCCTTGACCAT-3'
Protein context (NP_110400.1, residues 203-223): DNEALYDICF[Arg213His]TLKLTTPTYG

ClinVar aggregate classification (germline): Conflicting classifications of pathogenicity. Review status: criteria provided, conflicting classifications (1 of 4 stars). 5 submissions from 5 submitters: Uncertain significance (1); Benign (1); Likely benign (2). 1 of the submissions does not count toward it. Last evaluated 2026-02-01.

Conditions:
TUBB1-related disorder. Also called: TUBB1-related condition.

Allele frequency attached by ClinVar (database versions not stated): gnomAD exomes 0.00013 and 0.00026; ExAC 0.00030; 1000 Genomes Project 30x 0.00031; 1000 Genomes Project 0.00040; gnomAD 0.00110 and 0.00124; TOPMed 0.00113; ESP Exome Variant Server 0.00146.

Submissions (5):

Labcorp Genetics (formerly Invitae), Labcorp
Classification: Benign. Last evaluated: 2026-02-01. Review status: criteria provided, single submitter. Criteria: Invitae Variant Classification Sherloc (09022015). Collection method: clinical testing. Allele origin: germline.

Women's Health and Genetics/Laboratory Corporation of America, LabCorp
Classification: Likely benign. Last evaluated: 2025-06-30. Review status: criteria provided, single submitter. Criteria: LabCorp Variant Classification Summary - May 2015. Collection method: clinical testing. Allele origin: germline.
Comment: Variant summary: TUBB1 c.638G>A (p.Arg213His) results in a non-conservative amino acid change in the encoded protein sequence. Algorithms developed to predict the effect of missense changes on protein structure and function all suggest that this variant is likely to be disruptive. The variant allele was found at a frequency of 0.00026 in 251484 control chromosomes, predominantly at a frequency of 0.0033 within the African or African-American subpopulation in the gnomAD database. The observed variant frequency within African or African-American control individuals in the gnomAD database exceeds the estimated maximal expected allele frequency for a pathogenic variant in TUBB1 causing Autosomal Dominant Macrothrombocytopenia TUBB1-Related phenotype. To our knowledge, no occurrence of c.638G>A in individuals affected with Autosomal Dominant Macrothrombocytopenia TUBB1-Related and no experimental evidence demonstrating its impact on protein function have been reported. ClinVar contains an entry for this variant (Variation ID: 1336322). Based on the evidence outlined above, the variant was classified as likely benign.

Mayo Clinic Laboratories, Mayo Clinic
Classification: Uncertain significance. Last evaluated: 2024-12-09. Review status: criteria provided, single submitter. Criteria: ACMG Guidelines, 2015. Collection method: clinical testing. Allele origin: germline. Observed: 1 variant allele.
Comment: BS1_supporting, PP3

Genetic Services Laboratory, University of Chicago
Classification: Likely benign. Last evaluated: 2017-11-02. Review status: criteria provided, single submitter. Criteria: ACMG Guidelines, 2015. Collection method: clinical testing. Allele origin: germline. Affected: no.

PreventionGenetics, part of Exact Sciences
Classification: Likely benign for TUBB1-related condition. Last evaluated: 2019-06-20. Review status: no assertion criteria provided. Collection method: clinical testing. Allele origin: germline. Not counted in ClinVar's aggregate classification.
Comment: This variant is classified as likely benign based on ACMG/AMP sequence variant interpretation guidelines (Richards et al. 2015 PMID: 25741868, with internal and published modifications).